The following is an entry in ClinVar:

NM_015915.5(ATL1):c.860A>G (p.Lys287Arg)

Gene: ATL1 (atlastin GTPase 1; plus strand). Cytogenetic location: 14q22.1.
Variant type: single nucleotide variant.
Coding change: c.860A>G on transcript NM_015915.5 (MANE Select); coding-DNA position 860, A replaced by G.
Protein change: p.Lys287Arg; replaces lysine 287 with arginine.
Molecular consequence: missense variant.
Genome position (GRCh38, 1-based): chr14:50,614,509, A>G. VCF-style: chr14-50614509-A-G. GRCh37 (hg19) VCF-style: chr14-51081227-A-G.
Other names: c.860A>G, p.Lys287Arg (NM_001127713.1, NM_181598.4); short protein forms K287R.
Identifiers: ClinVar variation 846995 (VCV000846995.9), dbSNP rs1324131690, ClinGen allele CA389672050.
Genomic context (GRCh38, chr14:50,614,509, plus strand): 5'-TTCTGCTACCTCATCCTGGCTTAAAAGTAGCTACCAATCCAAACTTTGATGGAAAATTGA[A>G]AGGTTTGTGTCTTTTAATGAATATGTTTGCATCACTTAGTCTGATTATAAAAATGTCATT-3'
Protein context (NP_056999.2, residues 277-297): ATNPNFDGKL[Lys287Arg]EIDDEFIKNL

ClinVar aggregate classification (germline): Uncertain significance (1 of 4 stars; one submission).

Conditions:
Hereditary spastic paraplegia 3A (SPG3A). Also called: Spastic paraplegia 3A, autosomal dominant; SPASTIC PARAPLEGIA 3, AUTOSOMAL DOMINANT; FAMILIAL SPASTIC PARAPLEGIA, AUTOSOMAL DOMINANT, 1; SPG3; STRUMPELL DISEASE; Spastic Paraplegia 3A. Identifiers: Orphanet 100984, MedGen C2931355, MONDO:0008437, OMIM 182600.

Allele frequency attached by ClinVar (database versions not stated): gnomAD exomes below 0.00001; TOPMed below 0.00001.
gnomAD v4.1: 1 of 1,613,808 alleles (0.000062%); highest among the groups gnomAD compares: Non-Finnish European, 0.000085%; no homozygotes.

Submission:

Labcorp Genetics (formerly Invitae), Labcorp
Classification: Uncertain significance for Hereditary spastic paraplegia 3A. Last evaluated: 2019-08-28. Review status: criteria provided, single submitter. Criteria: Invitae Variant Classification Sherloc (09022015). Collection method: clinical testing. Allele origin: germline.
Comment: This variant is not present in population databases (ExAC no frequency). This sequence change replaces lysine with arginine at codon 287 of the ATL1 protein (p.Lys287Arg). The lysine residue is moderately conserved and there is a small physicochemical difference between lysine and arginine. This variant has not been reported in the literature in individuals with ATL1-related conditions. Algorithms developed to predict the effect of missense changes on protein structure and function (SIFT, PolyPhen-2, Align-GVGD) all suggest that this variant is likely to be tolerated, but these predictions have not been confirmed by published functional studies and their clinical significance is uncertain. In summary, the available evidence is currently insufficient to determine the role of this variant in disease. Therefore, it has been classified as a Variant of Uncertain Significance.